The following is an entry in ClinVar:

NM_002471.4(MYH6):c.595G>A (p.Ala199Thr)

Genes: MYH6 (myosin heavy chain 6; minus strand), LOC114827851 (VISTA enhancer hs2155; plus strand). Cytogenetic location: 14q11.2.
Variant type: single nucleotide variant.
Coding change: c.595G>A on transcript NM_002471.4 (MANE Select); coding-DNA position 595, G replaced by A.
Protein change: p.Ala199Thr; replaces alanine 199 with threonine.
Molecular consequence: missense variant.
Genome position (GRCh38, 1-based): chr14:23,404,758, C>T on the plus strand (G>A on the coding strand, the complement: MYH6 is on the minus strand). VCF-style: chr14-23404758-C-T. GRCh37 (hg19) VCF-style: chr14-23873967-C-T.
Other names: short protein forms A199T.
Identifiers: ClinVar variation 1331302 (VCV001331302.2), dbSNP rs535526291, ClinGen allele CA7116103.

ClinVar aggregate classification (germline): Uncertain significance (1 of 4 stars; one submission).

Allele frequency attached by ClinVar (database versions not stated): gnomAD exomes below 0.00001; ExAC 0.00001; gnomAD 0.00001; 1000 Genomes Project 30x 0.00016; 1000 Genomes Project 0.00020.
gnomAD v4.1: 1 of 1,614,194 alleles (0.000062%); highest among the groups gnomAD compares: Admixed American, 0.0017%; no homozygotes.

Submission:

GeneDx
Classification: Uncertain significance. Last evaluated: 2021-06-28. Review status: criteria provided, single submitter. Criteria: GeneDx Variant Classification Process June 2021. Collection method: clinical testing. Allele origin: germline. Affected: yes.
Comment: Not observed at significant frequency in large population cohorts (Lek et al., 2016); In silico analysis supports that this missense variant has a deleterious effect on protein structure/function; This variant is associated with the following publications: (PMID: 27930701, 27535533)